The following is an entry in ClinVar:

ClinVar aggregate classification (germline): Uncertain significance (1 of 4 stars; one submission).

gnomAD v4.1: 5 of 1,210,205 alleles (0.00041%); highest among the groups gnomAD compares: African/African-American, 0.0017%; no homozygotes.

Submission:

GeneDx
Classification: Uncertain significance. Last evaluated: 2026-02-13. Review status: criteria provided, single submitter. Criteria: GeneDx Variant Classification Process June 2021. Collection method: clinical testing. Allele origin: germline.
Comment: In silico analysis supports that this missense variant has a deleterious effect on protein structure/function; Has not been previously published as pathogenic or benign to our knowledge

NM_004312.3(ARR3):c.172C>T (p.Arg58Cys)

Gene: ARR3 (arrestin 3; plus strand). Cytogenetic location: Xq13.1.
Variant type: single nucleotide variant.
Coding change: c.172C>T on transcript NM_004312.3 (MANE Select); coding-DNA position 172, C replaced by T.
Protein change: p.Arg58Cys; replaces arginine 58 with cysteine.
Molecular consequence: missense variant.
Genome position (GRCh38, 1-based): chrX:70,276,108, C>T. VCF-style: chrX-70276108-C-T. GRCh37 (hg19) VCF-style: chrX-69495958-C-T.
Other names: short protein forms R58C.
Identifiers: ClinVar variation 5008807 (VCV005008807.1).